The following is an entry in ClinVar:

ClinVar aggregate classification (germline): Pathogenic. Review status: criteria provided, single submitter (1 of 4 stars). 2 submissions from 2 submitters: Pathogenic (1). 1 of the submissions does not count toward it. Last evaluated 2024-07-26.

Conditions:
PLA2G6-associated neurodegeneration (PLAN). Also called: phospholipase A2-associated neurodegeneration. Identifiers: Orphanet 329303, MedGen CN204472, MONDO:0017998.

Submissions (2):

GeneDx
Classification: Pathogenic. Last evaluated: 2024-07-26. Review status: criteria provided, single submitter. Criteria: GeneDx Variant Classification Process June 2021. Collection method: clinical testing. Allele origin: germline. Affected: yes.
Comment: Frameshift variant predicted to result in protein truncation or nonsense mediated decay in a gene for which loss of function is a known mechanism of disease; Not observed at significant frequency in large population cohorts (gnomAD); This variant is associated with the following publications: (PMID: 35624904)

Department of Neurology, Second Affiliated Hospital, Zhejiang University
Classification: Pathogenic for PLA2G6-associated neurodegeneration. Review status: no assertion criteria provided. Collection method: clinical testing. Allele origin: germline. Inheritance: Autosomal recessive inheritance. Affected: yes. Not counted in ClinVar's aggregate classification.
Comment: Deletion results in protein truncation and nonsense. Not observed at significant frequency in gnomAD database; This variant is associated with the following publications: (PMID: 35624904).

NM_003560.4(PLA2G6):c.1915del (p.Ala639fs)

Gene: PLA2G6 (phospholipase A2 group VI; minus strand). Cytogenetic location: 22q13.1.
Variant type: Deletion.
Coding change: c.1915del on transcript NM_003560.4 (MANE Select); coding-DNA position 1915, one base deleted (G; older notation c.1915delG).
Protein change: p.Ala639fs; shifts the reading frame from alanine 639.
Molecular consequence: frameshift variant.
Genome position (GRCh38, 1-based): chr22:38,115,646, C deleted on the plus strand (G on the coding strand, the reverse complement: PLA2G6 is on the minus strand); the first of 4 consecutive C bases (chr22:38,115,646-38,115,649); deleting any one gives the same sequence. VCF-style (leftmost placement, unchanged base first): chr22-38115645-GC-G. GRCh37 (hg19) VCF-style: chr22-38511652-GC-G.
Other names: c.1753del, p.Ala585fs (NM_001004426.3, NM_001199562.3, NM_001349865.2 and 1 more transcripts); c.1915del, p.Ala639fs (NM_001349864.2); c.1381del, p.Ala461fs (NM_001349867.2); c.1237del, p.Ala413fs (NM_001349868.2); c.1219del, p.Ala407fs (NM_001349869.2); c.1915delG (NM_003560.4); short protein forms A407fs, A413fs, A461fs, A585fs, A639fs.
Identifiers: ClinVar variation 2501533 (VCV002501533.3), dbSNP rs2517927333, ClinGen allele CA2580615309.